The following is an entry in ClinVar:

NM_001278116.2(L1CAM):c.1839G>A (p.Gly613=)

Gene: L1CAM (L1 cell adhesion molecule; minus strand). Cytogenetic location: Xq28.
Variant type: single nucleotide variant.
Coding change: c.1839G>A on transcript NM_001278116.2 (MANE Select); coding-DNA position 1839, G replaced by A.
Protein change: p.Gly613=; no amino-acid change (glycine 613 retained).
Molecular consequence: synonymous variant.
Genome position (GRCh38, 1-based): chrX:153,867,900, C>T on the plus strand (G>A on the coding strand, the complement: L1CAM is on the minus strand). VCF-style: chrX-153867900-C-T. GRCh37 (hg19) VCF-style: chrX-153133355-C-T.
Other names: c.1839G>A, p.Gly613= (NM_000425.5, NM_024003.3); c.1824G>A, p.Gly608= (NM_001143963.2).
Identifiers: ClinVar variation 2661741 (VCV002661741.24), dbSNP rs781807260, ClinGen allele CA519343707.

ClinVar aggregate classification (germline): Likely benign (1 of 4 stars; one submission).

Submission:

CeGaT Center for Human Genetics Tuebingen
Classification: Likely benign. Last evaluated: 2022-09-01. Review status: criteria provided, single submitter. Criteria: CeGaT Center For Human Genetics Tuebingen Variant Classification Criteria Version 2. Collection method: clinical testing. Allele origin: germline. Affected: yes. Observed: 1 variant allele.
Comment: L1CAM: BP4, BP7